The following is an entry in ClinVar:

NM_015474.4(SAMHD1):c.1848C>T (p.Ser616=)

Genes: SAMHD1 (SAM and HD domain containing deoxynucleoside triphosphate triphosphohydrolase 1; minus strand), TLDC2 (TBC/LysM-associated domain containing 2; plus strand). Cytogenetic location: 20q11.23.
Variant type: single nucleotide variant.
Coding change: c.1848C>T on transcript NM_015474.4 (MANE Select); coding-DNA position 1848, C replaced by T.
Protein change: p.Ser616=; no amino-acid change (serine 616 retained).
Molecular consequence: synonymous variant. On other transcripts: 3 prime UTR variant (3).
Genome position (GRCh38, 1-based): chr20:36,892,965, G>A on the plus strand (C>T on the coding strand, the complement: SAMHD1 is on the minus strand). VCF-style: chr20-36892965-G-A. GRCh37 (hg19) VCF-style: chr20-35521368-G-A.
Other names: c.*121G>A (NM_001304783.1, NM_080628.3); c.1743C>T, p.Ser581= (NM_001363729.2); c.*941C>T (NM_001363733.2).
Identifiers: ClinVar variation 1114447 (VCV001114447.12), dbSNP rs372533307, ClinGen allele CA9844401.
Genomic context (GRCh38, chr20:36,892,965, plus strand): 5'-AGTTTGTAAACAACTGACTACAGACATTCACATTGGGTCATCTTTAAAAAGCTGGACTCT[G>A]CTTTTGGATGCTTCTCGGAGGCGAGTTGGATTTTGGACTGAAGTACTGTCGTTCCATTCC-3'
Protein context (NP_056289.2, residues 606-626): NPTRLREASK[Ser616=]RVQLFKDDPM

ClinVar aggregate classification (germline): Likely benign. Review status: criteria provided, multiple submitters, no conflicts (2 of 4 stars). 4 submissions from 4 submitters: Likely benign (4). Last evaluated 2026-01-17.

Conditions:
SAMHD1-related disorder. Also called: SAMHD1-related condition.
Aicardi-Goutieres syndrome 5. Identifiers: Orphanet 51, MedGen C2749659, MONDO:0013059, OMIM 612952.

Allele frequency attached by ClinVar (database versions not stated): ExAC 0.00002; gnomAD 0.00005; gnomAD exomes 0.00005 and 0.00021; TOPMed 0.00006; ESP Exome Variant Server 0.00015.
gnomAD v4.1: 306 of 1,613,936 alleles (0.019%); highest among the groups gnomAD compares: Non-Finnish European, 0.025%; no homozygotes.

Submissions (4):

Labcorp Genetics (formerly Invitae), Labcorp
Classification: Likely benign for Aicardi-Goutieres syndrome 5. Last evaluated: 2026-01-17. Review status: criteria provided, single submitter. Criteria: Invitae Variant Classification Sherloc (09022015). Collection method: clinical testing. Allele origin: germline.

PreventionGenetics, part of Exact Sciences
Classification: Likely benign for SAMHD1-related condition. Last evaluated: 2025-03-14. Review status: criteria provided, single submitter. Criteria: ACMG Guidelines, 2015. Collection method: clinical testing. Allele origin: germline.
Comment: This variant is classified as likely benign based on ACMG/AMP sequence variant interpretation guidelines (Richards et al. 2015 PMID: 25741868, with internal and published modifications).

Blueprint Genetics
Classification: Likely benign. Last evaluated: 2024-11-05. Review status: criteria provided, single submitter. Criteria: ACMG Guidelines, 2015. Collection method: clinical testing. Allele origin: germline.

Athena Diagnostics
Classification: Likely benign. Last evaluated: 2024-03-04. Review status: criteria provided, single submitter. Criteria: Athena Diagnostics Criteria. Collection method: clinical testing. Allele origin: unknown.